The following is an entry in ClinVar:

ClinVar aggregate classification (germline): Uncertain significance (1 of 4 stars; one submission).

Submission:

GeneDx
Classification: Uncertain significance. Last evaluated: 2020-02-11. Review status: criteria provided, single submitter. Criteria: GeneDx Variant Classification Process June 2021. Collection method: clinical testing. Allele origin: germline. Affected: yes.
Comment: Not observed in large population cohorts (Lek et al., 2016); In silico analysis supports that this missense variant does not alter protein structure/function; Has not been previously published as pathogenic or benign to our knowledge

NM_014141.6(CNTNAP2):c.1573C>A (p.Gln525Lys)

Gene: CNTNAP2 (contactin associated protein 2; plus strand). Cytogenetic location: 7q35.
Variant type: single nucleotide variant.
Coding change: c.1573C>A on transcript NM_014141.6 (MANE Select); coding-DNA position 1573, C replaced by A.
Protein change: p.Gln525Lys; replaces glutamine 525 with lysine.
Molecular consequence: missense variant.
Genome position (GRCh38, 1-based): chr7:147,395,683, C>A. VCF-style: chr7-147395683-C-A. GRCh37 (hg19) VCF-style: chr7-147092775-C-A.
Other names: short protein forms Q525K.
Identifiers: ClinVar variation 1315978 (VCV001315978.2), dbSNP rs1239779717, ClinGen allele CA369925544.
Genomic context (GRCh38, chr7:147,395,683, plus strand): 5'-ATGAATAACTCAAGTCACTCTGTCCTTCAGCCTTCATTCCAAGGATGCATGCAGCTCATT[C>A]AAGTGGACGATCAACTTGTAAATTTATACGAAGTGGCACAAAGGAAGCCGGGAAGTTTCG-3'
Protein context (NP_054860.1, residues 515-535): PSFQGCMQLI[Gln525Lys]VDDQLVNLYE